The following is an entry in ClinVar:

ClinVar aggregate classification (germline): Pathogenic (1 of 4 stars; one submission).

Conditions:
Breast-ovarian cancer, familial, susceptibility to, 2 (BROVCA2). Also called: BRCA2 Hereditary Breast and Ovarian Cancer. Identifiers: Orphanet 145, MedGen C2675520, MONDO:0012933, OMIM 612555. Disease mechanism: loss of function.

Submission:

Department of Clinical Genetics, Copenhagen University Hospital, Rigshospitalet
Classification: Pathogenic for Breast-ovarian cancer, familial, susceptibility to, 2. Last evaluated: 2024-05-27. Review status: criteria provided, single submitter. Criteria: ACMG Guidelines, 2015. Collection method: clinical testing. Allele origin: germline. Affected: yes.
Comment: PVS1; PM2_supporting; PM5_PTC_Strong

NM_000059.4(BRCA2):c.5600_5601del (p.Thr1867fs)

Gene: BRCA2 (BRCA2 DNA repair associated; plus strand). Cytogenetic location: 13q13.1.
Variant type: Deletion.
Coding change: c.5600_5601del on transcript NM_000059.4 (MANE Select); coding-DNA positions 5600 to 5601, 2 bases deleted (CA; older notation c.5600_5601delCA).
Protein change: p.Thr1867fs; shifts the reading frame from threonine 1867.
Molecular consequence: frameshift variant. On other transcripts: non-coding transcript variant (1), intron variant (2).
Genome position (GRCh38, 1-based): chr13:32,339,955-32,339,956, CA deleted; deleting any 2 consecutive bases within chr13:32,339,954-32,339,956 gives the same sequence; the c. name uses the placement nearest the transcript's 3' end. VCF-style (leftmost placement, unchanged base first): chr13-32339953-TAC-T. GRCh37 (hg19) VCF-style: chr13-32914090-TAC-T.
Other names: c.5600_5601del, p.Thr1867fs (NM_001406719.1, NM_001406720.1); c.1910-4603_1910-4602del (NM_001406721.1); c.425-4603_425-4602del (NM_001406722.1); short protein forms T1867fs.
Identifiers: ClinVar variation 3236913 (VCV003236913.1), dbSNP rs2548531245.